The following is an entry in ClinVar:

NM_002230.4(JUP):c.1855G>A (p.Asp619Asn)

Gene: JUP (junction plakoglobin; minus strand). Cytogenetic location: 17q21.2.
Variant type: single nucleotide variant.
Coding change: c.1855G>A on transcript NM_002230.4 (MANE Select); coding-DNA position 1855, G replaced by A.
Protein change: p.Asp619Asn; replaces aspartic acid 619 with asparagine.
Molecular consequence: missense variant.
Genome position (GRCh38, 1-based): chr17:41,757,703, C>T on the plus strand (G>A on the coding strand, the complement: JUP is on the minus strand). VCF-style: chr17-41757703-C-T. GRCh37 (hg19) VCF-style: chr17-39913955-C-T.
Other names: c.1855G>A, p.Asp619Asn (NM_001352773.2, NM_001352774.2, NM_001352775.2 and 3 more transcripts); short protein forms D619N.
Identifiers: ClinVar variation 4788773 (VCV004788773.1).

ClinVar aggregate classification (germline): Uncertain significance (1 of 4 stars; one submission).

Conditions:
Naxos disease (NXD). Also called: KERATOSIS PALMOPLANTARIS WITH ARRHYTHMOGENIC CARDIOMYOPATHY; MAL DE NAXOS; PALMOPLANTAR KERATODERMA WITH ARRHYTHMOGENIC RIGHT VENTRICULAR CARDIOMYOPATHY AND WOOLLY HAIR; WOOLLY HAIR, PALMOPLANTAR KERATODERMA, AND CARDIAC ABNORMALITIES; CARDIOMYOPATHY, ARRHYTHMOGENIC RIGHT VENTRICULAR, WITH SKIN, HAIR, AND NAIL ABNORMALITIES. Identifiers: Orphanet 34217, MedGen C1832600, MONDO:0011017, OMIM 601214.
Arrhythmogenic right ventricular dysplasia 12. Also called: ARRHYTHMOGENIC RIGHT VENTRICULAR DYSPLASIA, FAMILIAL, 12. Identifiers: MedGen C1969081, MONDO:0012684, OMIM 611528.

gnomAD v4.1: 5 of 1,613,156 alleles (0.00031%); highest among the groups gnomAD compares: East Asian, 0.0067%; no homozygotes.

Submission:

Labcorp Genetics (formerly Invitae), Labcorp
Classification: Uncertain significance for Arrhythmogenic right ventricular dysplasia 12; Naxos disease. Last evaluated: 2026-01-13. Review status: criteria provided, single submitter. Criteria: Invitae Variant Classification Sherloc (09022015). Collection method: clinical testing. Allele origin: germline.
Comment: This sequence change replaces aspartic acid, which is acidic and polar, with asparagine, which is neutral and polar, at codon 619 of the JUP protein (p.Asp619Asn). This variant is present in population databases (no rsID available, gnomAD 0.01%). This variant has not been reported in the literature in individuals affected with JUP-related conditions. An algorithm developed to predict the effect of missense changes on protein structure and function (PolyPhen-2) suggests that this variant is likely to be tolerated. In summary, the available evidence is currently insufficient to determine the role of this variant in disease. Therefore, it has been classified as a Variant of Uncertain Significance.